The following is an entry in ClinVar:

ClinVar aggregate classification (germline): Uncertain significance (1 of 4 stars; one submission).

Submission:

GeneDx
Classification: Uncertain significance. Last evaluated: 2022-06-24. Review status: criteria provided, single submitter. Criteria: GeneDx Variant Classification Process June 2021. Collection method: clinical testing. Allele origin: germline. Affected: yes.
Comment: Not observed at significant frequency in large population cohorts (gnomAD); In silico analysis supports that this missense variant does not alter protein structure/function; Has not been previously published as pathogenic or benign to our knowledge

NM_021120.4(DLG3):c.65T>C (p.Leu22Pro)

Gene: DLG3 (discs large MAGUK scaffold protein 3; plus strand). Cytogenetic location: Xq13.1.
Variant type: single nucleotide variant.
Coding change: c.65T>C on transcript NM_021120.4 (MANE Select); coding-DNA position 65, T replaced by C.
Protein change: p.Leu22Pro; replaces leucine 22 with proline.
Molecular consequence: missense variant.
Genome position (GRCh38, 1-based): chrX:70,445,266, T>C. VCF-style: chrX-70445266-T-C. GRCh37 (hg19) VCF-style: chrX-69665116-T-C.
Other names: short protein forms L22P.
Identifiers: ClinVar variation 1806573 (VCV001806573.1), dbSNP rs2519724948, ClinGen allele CA413490250.